The following is an entry in ClinVar:

NM_001605.3(AARS1):c.70A>T (p.Thr24Ser)

Gene: AARS1 (alanyl-tRNA synthetase 1; minus strand). Cytogenetic location: 16q22.1.
Variant type: single nucleotide variant.
Coding change: c.70A>T on transcript NM_001605.3 (MANE Select); coding-DNA position 70, A replaced by T.
Protein change: p.Thr24Ser; replaces threonine 24 with serine.
Molecular consequence: missense variant.
Genome position (GRCh38, 1-based): chr16:70,282,694, T>A on the plus strand (A>T on the coding strand, the complement: AARS1 is on the minus strand). VCF-style: chr16-70282694-T-A. GRCh37 (hg19) VCF-style: chr16-70316597-T-A.
Other names: short protein forms T24S.
Identifiers: ClinVar variation 2814975 (VCV002814975.3), dbSNP rs768158204, ClinGen allele CA396570551.

ClinVar aggregate classification (germline): Uncertain significance (1 of 4 stars; one submission).

Conditions:
Charcot-Marie-Tooth disease type 2. Also called: Charcot-Marie-Tooth type 2. Identifiers: Orphanet 64746, MedGen C0270914, MONDO:0018993.

Submission:

Labcorp Genetics (formerly Invitae), Labcorp
Classification: Uncertain significance for Charcot-Marie-Tooth disease type 2. Last evaluated: 2022-12-05. Review status: criteria provided, single submitter. Criteria: Invitae Variant Classification Sherloc (09022015). Collection method: clinical testing. Allele origin: germline.
Comment: In summary, the available evidence is currently insufficient to determine the role of this variant in disease. Therefore, it has been classified as a Variant of Uncertain Significance. Advanced modeling of protein sequence and biophysical properties (such as structural, functional, and spatial information, amino acid conservation, physicochemical variation, residue mobility, and thermodynamic stability) performed at Invitae indicates that this missense variant is not expected to disrupt AARS protein function. This variant has not been reported in the literature in individuals affected with AARS-related conditions. This variant is not present in population databases (gnomAD no frequency). This sequence change replaces threonine, which is neutral and polar, with serine, which is neutral and polar, at codon 24 of the AARS protein (p.Thr24Ser).